The following is an entry in ClinVar:

ClinVar aggregate classification (germline): Uncertain significance (1 of 4 stars; one submission).

Allele frequency attached by ClinVar (database versions not stated): gnomAD exomes below 0.00001.

Submission:

Labcorp Genetics (formerly Invitae), Labcorp
Classification: Uncertain significance. Last evaluated: 2022-04-07. Review status: criteria provided, single submitter. Criteria: Invitae Variant Classification Sherloc (09022015). Collection method: clinical testing. Allele origin: germline.
Comment: In summary, the available evidence is currently insufficient to determine the role of this variant in disease. Therefore, it has been classified as a Variant of Uncertain Significance. Experimental studies and prediction algorithms are not available or were not evaluated, and the functional significance of this variant is currently unknown. This variant has not been reported in the literature in individuals affected with CAPN5-related conditions. This variant is not present in population databases (gnomAD no frequency). This sequence change results in a frameshift in the CAPN5 gene (p.Thr626Metfs*24). While this is not anticipated to result in nonsense mediated decay, it is expected to disrupt the last 15 amino acid(s) of the CAPN5 protein and extend the protein by 8 additional amino acid residues.

NM_004055.5(CAPN5):c.1877del (p.Thr626fs)

Gene: CAPN5 (calpain 5; plus strand). Cytogenetic location: 11q13.5.
Variant type: Deletion.
Coding change: c.1877del on transcript NM_004055.5 (MANE Select); coding-DNA position 1877, one base deleted (C; older notation c.1877delC).
Protein change: p.Thr626fs; shifts the reading frame from threonine 626.
Molecular consequence: frameshift variant.
Genome position (GRCh38, 1-based): chr11:77,123,824, C deleted. VCF-style (leftmost placement, unchanged base first): chr11-77123823-AC-A. GRCh37 (hg19) VCF-style: chr11-76834869-AC-A.
Other names: short protein forms T626fs.
Identifiers: ClinVar variation 1939441 (VCV001939441.5), dbSNP rs2496318937, ClinGen allele CA2580084897.